The following is an entry in ClinVar:

ClinVar aggregate classification (germline): Benign/Likely benign. Review status: criteria provided, multiple submitters, no conflicts (2 of 4 stars). 5 submissions from 5 submitters: Benign (1); Likely benign (4). Last evaluated 2026-02-03.

Conditions:
Hereditary spastic paraplegia 48. Also called: Spastic paraplegia 48; SPASTIC PARAPLEGIA 48, AUTOSOMAL RECESSIVE. Identifiers: Orphanet 306511, MedGen C3150901, MONDO:0013342, OMIM 613647.

Allele frequency attached by ClinVar (database versions not stated): gnomAD exomes 0.00204; ExAC 0.00503; ESP Exome Variant Server 0.00647; gnomAD 0.00735 and 0.00792; 1000 Genomes Project 0.00779; TOPMed 0.00808; 1000 Genomes Project 30x 0.00890.
gnomAD v4.1: 2,055 of 1,492,928 alleles (0.14%); highest among the groups gnomAD compares: African/African-American, 2.4%; 21 homozygotes.

Submissions (5):

Labcorp Genetics (formerly Invitae), Labcorp
Classification: Benign for Hereditary spastic paraplegia 48. Last evaluated: 2026-02-03. Review status: criteria provided, single submitter. Criteria: Invitae Variant Classification Sherloc (09022015). Collection method: clinical testing. Allele origin: germline.

GeneDx
Classification: Likely benign. Last evaluated: 2019-06-19. Review status: criteria provided, single submitter. Criteria: GeneDx Variant Classification Process June 2021. Collection method: clinical testing. Allele origin: germline. Affected: yes.

Illumina Laboratory Services, Illumina
Classification: Likely benign for Hereditary spastic paraplegia 48. Last evaluated: 2018-01-13. Review status: criteria provided, single submitter. Criteria: ICSL Variant Classification Criteria 13 December 2019. Collection method: clinical testing. Allele origin: germline.
Comment: This variant was observed in the ICSL laboratory as part of a predisposition screen in an ostensibly healthy population. It had not been previously curated by ICSL or reported in the Human Gene Mutation Database (HGMD: prior to June 1st, 2018), and was therefore a candidate for classification through an automated scoring system. Utilizing variant allele frequency, disease prevalence and penetrance estimates, and inheritance mode, an automated score was calculated to assess if this variant is too frequent to cause the disease. Based on the score and internal cut-off values, a variant classified as likely benign is not then subjected to further curation. The score for this variant resulted in a classification of likely benign for this disease.

Center for Pediatric Genomic Medicine, Children's Mercy Hospital and Clinics
Classification: Likely benign. Last evaluated: 2017-04-24. Review status: criteria provided, single submitter. Criteria: ACMG Guidelines, 2015. Collection method: clinical testing. Allele origin: germline.

Breakthrough Genomics
Classification: Likely benign. Review status: criteria provided, single submitter. Criteria: ACMG Guidelines, 2015. Collection method: not provided. Allele origin: germline. Inheritance: Autosomal recessive inheritance. Affected: yes.

NM_014855.3(AP5Z1):c.1132+14G>T

Gene: AP5Z1 (adaptor related protein complex 5 subunit zeta 1; plus strand). Cytogenetic location: 7p22.1.
Variant type: single nucleotide variant.
Coding change: c.1132+14G>T on transcript NM_014855.3 (MANE Select); 14 bases into the intron after coding-DNA position 1132, G replaced by T.
Molecular consequence: intron variant.
Genome position (GRCh38, 1-based): chr7:4,785,698, G>T. VCF-style: chr7-4785698-G-T. GRCh37 (hg19) VCF-style: chr7-4825329-G-T.
Other names: c.664+14G>T (NM_001364858.1); c.1132+14G>T (LRG_1247t1).
Identifiers: ClinVar variation 445531 (VCV000445531.16), dbSNP rs139019097, ClinGen allele CA4137618.